The following is an entry in ClinVar:

ClinVar aggregate classification (germline): Likely pathogenic (1 of 4 stars; one submission).

Conditions:
Macrocephaly, neurodevelopmental delay, lymphoid hyperplasia, and persistent fetal hemoglobin (MNDLFH). Identifiers: Orphanet 694956, MedGen C5676928, MONDO:0859231, OMIM 619769.

Submission:

Human Genetics Bochum, Ruhr University Bochum
Classification: Likely pathogenic for Macrocephaly, neurodevelopmental delay, lymphoid hyperplasia, and persistent fetal hemoglobin. Last evaluated: 2025-07-23. Review status: criteria provided, single submitter. Criteria: ACMG Guidelines, 2015. Collection method: clinical testing. Allele origin: germline. Affected: yes.
Comment: ACMG criteria used to clasify this variant: PVS1, PM2_SUP

NM_015898.4(ZBTB7A):c.171_173dup (p.Tyr58Ter)

Gene: ZBTB7A (zinc finger and BTB domain containing 7A; minus strand). Cytogenetic location: 19p13.3.
Variant type: Duplication.
Coding change: c.171_173dup on transcript NM_015898.4 (MANE Select); coding-DNA positions 171 to 173, 3 bases duplicated (GTA; older notation c.171_173dupGTA).
Protein change: p.Tyr58Ter; replaces tyrosine 58 with a stop codon.
Molecular consequence: nonsense.
Genome position (GRCh38, 1-based): chr19:4,055,060-4,055,062, TAC duplicated on the plus strand (GTA on the coding strand, the reverse complement: ZBTB7A is on the minus strand); duplicating any 3 consecutive bases within chr19:4,055,060-4,055,063 gives the same sequence; the c. name uses the placement nearest the transcript's 3' end. VCF-style (leftmost placement, unchanged base first): chr19-4055059-G-GTAC. GRCh37 (hg19) VCF-style: chr19-4055057-G-GTAC.
Other names: c.171_173dup, p.Tyr58Ter (NM_001317990.2); short protein forms Y58*.
Identifiers: ClinVar variation 4687935 (VCV004687935.1).
Genomic context (GRCh38, chr19:4,055,059, plus strand): 5'-GTCGATCTCGTACACGTTCTGCTGGTCCACCACGGCGCCCGACGTGAACAGCTTCTTGAA[G>GTAC]TACTGGCTGCAGGCGGCCAGCACCGAGCGGTGCGTGGGGAACTCGCGGCCCTCCACCAGG-3'